The following is an entry in ClinVar:

ClinVar aggregate classification (germline): Conflicting classifications of pathogenicity. Review status: criteria provided, conflicting classifications (1 of 4 stars). 3 submissions from 3 submitters: Uncertain significance (2); Likely benign (1). Last evaluated 2026-06-05.

Conditions:
Cardiovascular phenotype. Identifiers: MedGen CN230736.
Alagille syndrome due to a JAG1 point mutation. Also called: Alagille Syndrome 1; HEPATIC DUCTULAR HYPOPLASIA, SYNDROMATIC; JAG1-Related Alagille Syndrome. Identifiers: Orphanet 261619, Orphanet 52, MedGen C1956125, MONDO:0016862, OMIM 118450.
JAG1-related disorder. Also called: JAG1-related condition; JAG1-related disorders.

Allele frequency attached by ClinVar (database versions not stated): gnomAD exomes 0.00001; TOPMed 0.00001.
gnomAD v4.1: 18 of 1,614,142 alleles (0.0011%); highest among the groups gnomAD compares: South Asian, 0.0055%; no homozygotes.

Submissions (3):

PreventionGenetics, part of Exact Sciences
Classification: Uncertain significance for JAG1-related condition. Last evaluated: 2026-06-05. Review status: criteria provided, single submitter. Criteria: ACMG Guidelines, 2015. Collection method: clinical testing. Allele origin: germline.
Comment: The JAG1 c.3569C>T variant is predicted to result in the amino acid substitution p.Pro1190Leu. To our knowledge, this variant has not been reported in the literature. This variant is reported in 0.0033% of alleles in individuals of South Asian descent in gnomAD. At this time, the clinical significance of this variant is uncertain due to the absence of conclusive functional and genetic evidence.

Ambry Genetics
Classification: Uncertain significance for Cardiovascular phenotype. Last evaluated: 2024-01-29. Review status: criteria provided, single submitter. Criteria: Ambry Variant Classification Scheme 2023. Collection method: clinical testing. Allele origin: germline.
Comment: The p.P1190L variant (also known as c.3569C>T), located in coding exon 26 of the JAG1 gene, results from a C to T substitution at nucleotide position 3569. The proline at codon 1190 is replaced by leucine, an amino acid with similar properties. This amino acid position is conserved. In addition, the in silico prediction for this alteration is inconclusive. Based on the available evidence, the clinical significance of this alteration remains unclear.

Labcorp Genetics (formerly Invitae), Labcorp
Classification: Likely benign for Alagille syndrome due to a JAG1 point mutation. Last evaluated: 2023-02-27. Review status: criteria provided, single submitter. Criteria: Invitae Variant Classification Sherloc (09022015). Collection method: clinical testing. Allele origin: germline.

NM_000214.3(JAG1):c.3569C>T (p.Pro1190Leu)

Gene: JAG1 (jagged canonical Notch ligand 1; minus strand). Cytogenetic location: 20p12.2.
Variant type: single nucleotide variant.
Coding change: c.3569C>T on transcript NM_000214.3 (MANE Select); coding-DNA position 3569, C replaced by T.
Protein change: p.Pro1190Leu; replaces proline 1190 with leucine.
Molecular consequence: missense variant.
Genome position (GRCh38, 1-based): chr20:10,639,586, G>A on the plus strand (C>T on the coding strand, the complement: JAG1 is on the minus strand). VCF-style: chr20-10639586-G-A. GRCh37 (hg19) VCF-style: chr20-10620234-G-A.
Other names: short protein forms P1190L.
Identifiers: ClinVar variation 2386856 (VCV002386856.6), dbSNP rs1334807463, ClinGen allele CA408242477.